The following is an entry in ClinVar:

NM_005591.4(MRE11):c.291G>C (p.Gln97His)

Gene: MRE11 (MRE11 double strand break repair nuclease; minus strand). Cytogenetic location: 11q21.
Variant type: single nucleotide variant.
Coding change: c.291G>C on transcript NM_005591.4 (MANE Select); coding-DNA position 291, G replaced by C.
Protein change: p.Gln97His; replaces glutamine 97 with histidine.
Molecular consequence: missense variant.
Genome position (GRCh38, 1-based): chr11:94,485,947, C>G on the plus strand (G>C on the coding strand, the complement: MRE11 is on the minus strand). VCF-style: chr11-94485947-C-G. GRCh37 (hg19) VCF-style: chr11-94219113-C-G.
Other names: c.291G>C, p.Gln97His (NM_001330347.2, NM_005590.4); short protein forms Q97H.
Identifiers: ClinVar variation 3874325 (VCV003874325.1).

ClinVar aggregate classification (germline): Uncertain significance (1 of 4 stars; one submission).

Conditions:
Hereditary cancer-predisposing syndrome. Also called: Tumor predisposition; Neoplastic Syndromes, Hereditary; Hereditary Cancer Syndrome; Hereditary neoplastic syndrome. Identifiers: Orphanet 140162, MedGen C0027672, MeSH D009386, MONDO:0015356.

Submission:

Ambry Genetics
Classification: Uncertain significance for Hereditary cancer-predisposing syndrome. Last evaluated: 2025-01-14. Review status: criteria provided, single submitter. Criteria: Ambry Variant Classification Scheme 2023. Collection method: clinical testing. Allele origin: germline.
Comment: The p.Q97H variant (also known as c.291G>C), located in coding exon 3 of the MRE11A gene, results from a G to C substitution at nucleotide position 291. The glutamine at codon 97 is replaced by histidine, an amino acid with highly similar properties. This amino acid position is conserved. In addition, the in silico prediction for this alteration is inconclusive. Based on the available evidence, the clinical significance of this variant remains unclear.